The following is an entry in ClinVar:

NM_001267550.2(TTN):c.45835G>A (p.Val15279Met)

Gene: TTN (titin; minus strand). Cytogenetic location: 2q31.2.
Variant type: single nucleotide variant.
Coding change: c.45835G>A on transcript NM_001267550.2 (MANE Select); coding-DNA position 45835, G replaced by A.
Protein change: p.Val15279Met; replaces valine 15279 with methionine.
Molecular consequence: missense variant.
Genome position (GRCh38, 1-based): chr2:178,620,775, C>T on the plus strand (G>A on the coding strand, the complement: TTN is on the minus strand). VCF-style: chr2-178620775-C-T. GRCh37 (hg19) VCF-style: chr2-179485502-C-T.
Other names: c.40912G>A, p.Val13638Met (NM_001256850.1); c.18640G>A, p.Val6214Met (NM_003319.4); c.19015G>A, p.Val6339Met (NM_133432.3); c.19216G>A, p.Val6406Met (NM_133437.4); c.38131G>A (NM_133378.4); short protein forms V15279M, V6406M, V13638M, V6214M, V6339M.
Identifiers: ClinVar variation 167784 (VCV000167784.9), dbSNP rs727504197, ClinGen allele CA235117.

ClinVar aggregate classification (germline): Uncertain significance. Review status: criteria provided, multiple submitters, no conflicts (2 of 4 stars). 3 submissions from 3 submitters: Uncertain significance (3). Last evaluated 2024-12-04.

Allele frequency attached by ClinVar (database versions not stated): TOPMed 0.00001; gnomAD 0.00003; gnomAD exomes 0.00001.
gnomAD v4.1: 8 of 1,612,800 alleles (0.0005%); highest among the groups gnomAD compares: Admixed American, 0.01%; no homozygotes.

Submissions (3):

Revvity Omics, Revvity
Classification: Uncertain significance. Last evaluated: 2024-12-04. Review status: criteria provided, single submitter. Criteria: ACMG Guidelines, 2015. Collection method: clinical testing. Allele origin: germline.

GeneDx
Classification: Uncertain significance. Last evaluated: 2022-08-11. Review status: criteria provided, single submitter. Criteria: GeneDx Variant Classification Process June 2021. Collection method: clinical testing. Allele origin: germline. Affected: yes.
Comment: Identified in a patient with a clinical history of sudden unexpected death (reported as p.V13638M due to alternate nomenclature), but the patient also had variants in DSC2, DSP, and RANGRF (Santori et al., 2015); Not observed at significant frequency in large population cohorts (gnomAD); Missense variant in a gene in which most reported pathogenic variants are truncating/loss of function; This variant is associated with the following publications: (PMID: 26272908)

Eurofins Ntd Llc (ga)
Classification: Uncertain significance. Last evaluated: 2014-01-06. Review status: criteria provided, single submitter. Criteria: EGL Classification Definitions 2015. Collection method: clinical testing. Allele origin: germline. Observed: 1 variant allele, 1 heterozygote.